The following is an entry in ClinVar:

ClinVar aggregate classification (germline): Uncertain significance (1 of 4 stars; one submission).

Allele frequency attached by ClinVar (database versions not stated): ExAC 0.00001; gnomAD 0.00001; gnomAD exomes 0.00001; TOPMed 0.00001.
gnomAD v4.1: 23 of 1,612,802 alleles (0.0014%); highest among the groups gnomAD compares: Non-Finnish European, 0.0019%; no homozygotes.

Submission:

Labcorp Genetics (formerly Invitae), Labcorp
Classification: Uncertain significance. Last evaluated: 2024-02-23. Review status: criteria provided, single submitter. Criteria: Invitae Variant Classification Sherloc (09022015). Collection method: clinical testing. Allele origin: germline.
Comment: This sequence change replaces threonine, which is neutral and polar, with alanine, which is neutral and non-polar, at codon 235 of the WHRN protein (p.Thr235Ala). This variant is present in population databases (rs754256328, gnomAD 0.007%). This variant has not been reported in the literature in individuals affected with WHRN-related conditions. ClinVar contains an entry for this variant (Variation ID: 1019516). An algorithm developed to predict the effect of missense changes on protein structure and function (PolyPhen-2) suggests that this variant is likely to be tolerated. In summary, the available evidence is currently insufficient to determine the role of this variant in disease. Therefore, it has been classified as a Variant of Uncertain Significance.

NM_015404.4(WHRN):c.703A>G (p.Thr235Ala)

Gene: WHRN (whirlin; minus strand). Cytogenetic location: 9q32.
Variant type: single nucleotide variant.
Coding change: c.703A>G on transcript NM_015404.4 (MANE Select); coding-DNA position 703, A replaced by G.
Protein change: p.Thr235Ala; replaces threonine 235 with alanine.
Molecular consequence: missense variant. On other transcripts: 5 prime UTR variant (1).
Genome position (GRCh38, 1-based): chr9:114,478,687, T>C on the plus strand (A>G on the coding strand, the complement: WHRN is on the minus strand). VCF-style: chr9-114478687-T-C. GRCh37 (hg19) VCF-style: chr9-117240967-T-C.
Other names: c.-447A>G (NM_001083885.3); c.703A>G, p.Thr235Ala (NM_001173425.2); short protein forms T235A.
Identifiers: ClinVar variation 1019516 (VCV001019516.8), dbSNP rs754256328, ClinGen allele CA5206214.
Genomic context (GRCh38, chr9:114,478,687, plus strand): 5'-CGTGGGGCTGGGGCAGGCCCGAGGGTGGGGAGATGCTGCGGCCCTGCGGGTCCACCCAGG[T>C]GTAGATGTGGTTGGTGACGTAGCCCCCAGGGATGCGCCCTGCTGAGTACACAGACAGCAC-3'
Protein context (NP_056219.3, residues 225-245): PGGYVTNHIY[Thr235Ala]WVDPQGRSIS